The following is an entry in ClinVar:

ClinVar aggregate classification (germline): Uncertain significance (1 of 4 stars; one submission).

Conditions:
Generalized epilepsy-paroxysmal dyskinesia syndrome (PNKD3). Also called: Paroxysmal nonkinesigenic dyskinesia, 3, with or without generalized epilepsy; Generalized epilepsy and paroxysmal dyskinesia. Identifiers: Orphanet 79137, MedGen C5574945, MONDO:0012276, OMIM 609446.

Submission:

Labcorp Genetics (formerly Invitae), Labcorp
Classification: Uncertain significance for Generalized epilepsy-paroxysmal dyskinesia syndrome. Last evaluated: 2022-08-16. Review status: criteria provided, single submitter. Criteria: Invitae Variant Classification Sherloc (09022015). Collection method: clinical testing. Allele origin: germline.
Comment: In summary, the available evidence is currently insufficient to determine the role of this variant in disease. Therefore, it has been classified as a Variant of Uncertain Significance. Algorithms developed to predict the effect of missense changes on protein structure and function (SIFT, PolyPhen-2, Align-GVGD) all suggest that this variant is likely to be tolerated. This variant is not present in population databases (gnomAD no frequency). This sequence change replaces lysine, which is basic and polar, with asparagine, which is neutral and polar, at codon 112 of the KCNMA1 protein (p.Lys112Asn). ClinVar contains an entry for this variant (Variation ID: 1476034). This variant has not been reported in the literature in individuals affected with KCNMA1-related conditions.

NM_001161352.2(KCNMA1):c.336G>C (p.Lys112Asn)

Gene: KCNMA1 (potassium calcium-activated channel subfamily M alpha 1; minus strand). Cytogenetic location: 10q22.3.
Variant type: single nucleotide variant.
Coding change: c.336G>C on transcript NM_001161352.2 (MANE Select); coding-DNA position 336, G replaced by C.
Protein change: p.Lys112Asn; replaces lysine 112 with asparagine.
Molecular consequence: missense variant.
Genome position (GRCh38, 1-based): chr10:77,637,307, C>G on the plus strand (G>C on the coding strand, the complement: KCNMA1 is on the minus strand). VCF-style: chr10-77637307-C-G. GRCh37 (hg19) VCF-style: chr10-79397065-C-G.
Other names: c.336G>C, p.Lys112Asn (NM_001014797.3, NM_001161353.2, NM_001271518.2 and 12 more transcripts); short protein forms K112N.
Identifiers: ClinVar variation 1476034 (VCV001476034.6), dbSNP rs748112495, ClinGen allele CA377412261.
Genomic context (GRCh38, chr10:77,637,307, plus strand): 5'-GCCCGGGGCGCGCGTTACCTTCGTCTTGCCCCCGCAGTGGCAGCACACGGTCCACAGGTA[C>G]TTGAGCGTCCGCCAGAGCAAGATGATGAAGAGGCCCCCGAAGAAAGTCACCATGGAGGAG-3'
Protein context (NP_001154824.1, residues 102-122): LFIILLWRTL[Lys112Asn]YLWTVCCHCG